The following is an entry in ClinVar:

NM_001367624.2(ZNF469):c.7775C>T (p.Pro2592Leu)

Gene: ZNF469 (zinc finger protein 469; plus strand). Cytogenetic location: 16q24.2.
Variant type: single nucleotide variant.
Coding change: c.7775C>T on transcript NM_001367624.2 (MANE Select); coding-DNA position 7775, C replaced by T.
Protein change: p.Pro2592Leu; replaces proline 2592 with leucine.
Molecular consequence: missense variant.
Genome position (GRCh38, 1-based): chr16:88,435,245, C>T. VCF-style: chr16-88435245-C-T. GRCh37 (hg19) VCF-style: chr16-88501653-C-T.
Other names: NM_001127464.1:c.7691C>T; short protein forms P2592L.
Identifiers: ClinVar variation 1374827 (VCV001374827.10), dbSNP rs1906486689, ClinGen allele CA397114749.

ClinVar aggregate classification (germline): Uncertain significance. Review status: criteria provided, multiple submitters, no conflicts (2 of 4 stars). 2 submissions from 2 submitters: Uncertain significance (2). Last evaluated 2022-03-18.

Conditions:
Cardiovascular phenotype. Identifiers: MedGen CN230736.

Allele frequency attached by ClinVar (database versions not stated): gnomAD exomes below 0.00001; gnomAD 0.00001; TOPMed 0.00001.
gnomAD v4.1: 4 of 1,550,242 alleles (0.00026%); highest among the groups gnomAD compares: African/African-American, 0.0041%; no homozygotes.

Submissions (2):

Labcorp Genetics (formerly Invitae), Labcorp
Classification: Uncertain significance. Last evaluated: 2022-03-18. Review status: criteria provided, single submitter. Criteria: Invitae Variant Classification Sherloc (09022015). Collection method: clinical testing. Allele origin: germline.
Comment: This sequence change replaces proline, which is neutral and non-polar, with leucine, which is neutral and non-polar, at codon 2564 of the ZNF469 protein (p.Pro2564Leu). This variant is not present in population databases (gnomAD no frequency). This variant has not been reported in the literature in individuals affected with ZNF469-related conditions. Algorithms developed to predict the effect of missense changes on protein structure and function are either unavailable or do not agree on the potential impact of this missense change (SIFT: "Deleterious"; PolyPhen-2: "Possibly Damaging"; Align-GVGD: "Class C0"). In summary, the available evidence is currently insufficient to determine the role of this variant in disease. Therefore, it has been classified as a Variant of Uncertain Significance.

Ambry Genetics
Classification: Uncertain significance for Cardiovascular phenotype. Last evaluated: 2020-03-11. Review status: criteria provided, single submitter. Criteria: Ambry Variant Classification Scheme 2023. Collection method: clinical testing. Allele origin: germline.
Comment: The p.P2564L variant (also known as c.7691C>T), located in coding exon 2 of the ZNF469 gene, results from a C to T substitution at nucleotide position 7691. The proline at codon 2564 is replaced by leucine, an amino acid with similar properties. This amino acid position is not well conserved in available vertebrate species, and leucine is the reference amino acid in other vertebrate species. In addition, this alteration is predicted to be tolerated by in silico analysis. Since supporting evidence is limited at this time, the clinical significance of this alteration remains unclear.